The following is an entry in ClinVar:

NM_001330360.2(POLA1):c.2474A>C (p.Glu825Ala)

Gene: POLA1 (DNA polymerase alpha 1, catalytic subunit; plus strand). Cytogenetic location: Xp22.11.
Variant type: single nucleotide variant.
Coding change: c.2474A>C on transcript NM_001330360.2 (MANE Select); coding-DNA position 2474, A replaced by C.
Protein change: p.Glu825Ala; replaces glutamic acid 825 with alanine.
Molecular consequence: missense variant. On other transcripts: non-coding transcript variant (2).
Genome position (GRCh38, 1-based): chrX:24,743,237, A>C. VCF-style: chrX-24743237-A-C. GRCh37 (hg19) VCF-style: chrX-24761354-A-C.
Other names: c.2399A>C, p.Glu800Ala (NM_001378303.1); c.2456A>C, p.Glu819Ala (NM_016937.4); short protein forms E800A, E819A, E825A.
Identifiers: ClinVar variation 2580073 (VCV002580073.1), dbSNP rs2518841656, ClinGen allele CA412536988.

ClinVar aggregate classification (germline): Uncertain significance (1 of 4 stars; one submission).

Submission:

GeneDx
Classification: Uncertain significance. Last evaluated: 2023-03-17. Review status: criteria provided, single submitter. Criteria: GeneDx Variant Classification Process June 2021. Collection method: clinical testing. Allele origin: germline. Affected: yes.
Comment: Not observed at significant frequency in large population cohorts (gnomAD); In silico analysis supports that this missense variant does not alter protein structure/function; Has not been previously published as pathogenic or benign to our knowledge